The following is an entry in ClinVar:

ClinVar aggregate classification (germline): Uncertain significance (1 of 4 stars; one submission).

Submission:

GeneDx
Classification: Uncertain significance. Last evaluated: 2026-03-17. Review status: criteria provided, single submitter. Criteria: GeneDx Variant Classification Process June 2021. Collection method: clinical testing. Allele origin: germline.
Comment: Not observed at significant frequency in large population cohorts (gnomAD); In silico analysis supports that this missense variant has a deleterious effect on protein structure/function; Has not been previously published as pathogenic or benign to our knowledge

NM_153026.3(PRICKLE1):c.545A>C (p.His182Pro)

Gene: PRICKLE1 (prickle planar cell polarity protein 1; minus strand). Cytogenetic location: 12q12.
Variant type: single nucleotide variant.
Coding change: c.545A>C on transcript NM_153026.3 (MANE Select); coding-DNA position 545, A replaced by C.
Protein change: p.His182Pro; replaces histidine 182 with proline.
Molecular consequence: missense variant.
Genome position (GRCh38, 1-based): chr12:42,468,669, T>G on the plus strand (A>C on the coding strand, the complement: PRICKLE1 is on the minus strand). VCF-style: chr12-42468669-T-G. GRCh37 (hg19) VCF-style: chr12-42862471-T-G.
Other names: c.545A>C, p.His182Pro (NM_001144881.2, NM_001144882.2, NM_001144883.2); short protein forms H182P.
Identifiers: ClinVar variation 5009302 (VCV005009302.1).